The following is an entry in ClinVar:

ClinVar aggregate classification (germline): Conflicting classifications of pathogenicity. Review status: criteria provided, conflicting classifications (1 of 4 stars). 2 submissions from 2 submitters: Pathogenic (1); Uncertain significance (1). Last evaluated 2025-12-15.

Conditions:
Sessile serrated polyposis cancer syndrome (SSPCS). Identifiers: Orphanet 157798, MedGen C4310714, MONDO:0014919, OMIM 617108.

Allele frequency attached by ClinVar (database versions not stated): gnomAD exomes below 0.00001.
gnomAD v4.1: 4 of 1,596,990 alleles (0.00025%); highest among the groups gnomAD compares: Non-Finnish European, 0.00034%; no homozygotes.

Submissions (2):

Myriad Genetics, Inc.
Classification: Pathogenic for Sessile serrated polyposis cancer syndrome. Last evaluated: 2025-12-15. Review status: criteria provided, single submitter. Criteria: Myriad Autosomal Dominant, Autosomal Recessive and X-Linked Classification Criteria (2023). Collection method: clinical testing. Allele origin: unknown.
Comment: This variant is considered pathogenic. This variant creates a termination codon and is predicted to result in premature protein truncation.

Labcorp Genetics (formerly Invitae), Labcorp
Classification: Uncertain significance. Last evaluated: 2024-06-30. Review status: criteria provided, single submitter. Criteria: Invitae Variant Classification Sherloc (09022015). Collection method: clinical testing. Allele origin: germline.
Comment: This sequence change creates a premature translational stop signal (p.Glu590*) in the RNF43 gene. It is expected to result in an absent or disrupted protein product. However, the current clinical and genetic evidence is not sufficient to establish whether loss-of-function variants in RNF43 cause disease. The frequency data for this variant in the population databases is considered unreliable, as metrics indicate poor data quality at this position in the gnomAD database. This variant has not been reported in the literature in individuals affected with RNF43-related conditions. In summary, the available evidence is currently insufficient to determine the role of this variant in disease. Therefore, it has been classified as a Variant of Uncertain Significance.

NM_017763.6(RNF43):c.1768G>T (p.Glu590Ter)

Gene: RNF43 (ring finger protein 43; minus strand). Cytogenetic location: 17q22.
Variant type: single nucleotide variant.
Coding change: c.1768G>T on transcript NM_017763.6 (MANE Select); coding-DNA position 1768, G replaced by T.
Protein change: p.Glu590Ter; replaces glutamic acid 590 with a stop codon.
Molecular consequence: nonsense.
Genome position (GRCh38, 1-based): chr17:58,358,008, C>A on the plus strand (G>T on the coding strand, the complement: RNF43 is on the minus strand). VCF-style: chr17-58358008-C-A. GRCh37 (hg19) VCF-style: chr17-56435369-C-A.
Other names: c.1768G>T, p.Glu590Ter (NM_001305544.3); c.1387G>T, p.Glu463Ter (NM_001305545.2); short protein forms E463*, E590*.
Identifiers: ClinVar variation 2891230 (VCV002891230.4), dbSNP rs1442406191, ClinGen allele CA400387536.